The following is an entry in ClinVar:

ClinVar aggregate classification (germline): Uncertain significance. Review status: criteria provided, multiple submitters, no conflicts (2 of 4 stars). 4 submissions from 4 submitters: Uncertain significance (3). 1 of the submissions does not count toward it. Last evaluated 2026-01-11.

Conditions:
Dilated cardiomyopathy 1G (CMD1G). Identifiers: Orphanet 154, MedGen C1858763, MONDO:0011400, OMIM 604145.
Autosomal recessive limb-girdle muscular dystrophy type 2J (LGMDR10). Also called: Limb-girdle muscular dystrophy, type 2J; MUSCULAR DYSTROPHY, LIMB-GIRDLE, AUTOSOMAL RECESSIVE 10. Identifiers: Orphanet 140922, MedGen C1837342, MONDO:0012127, OMIM 608807.

Allele frequency attached by ClinVar (database versions not stated): gnomAD exomes below 0.00001.
gnomAD v4.1: 4 of 1,613,970 alleles (0.00025%); highest among the groups gnomAD compares: Non-Finnish European, 0.00034%; no homozygotes.

Submissions (4):

Labcorp Genetics (formerly Invitae), Labcorp
Classification: Uncertain significance for Dilated cardiomyopathy 1G; Autosomal recessive limb-girdle muscular dystrophy type 2J. Last evaluated: 2026-01-11. Review status: criteria provided, single submitter. Criteria: Invitae Variant Classification Sherloc (09022015). Collection method: clinical testing. Allele origin: germline.
Comment: This sequence change replaces tryptophan, which is neutral and slightly polar, with arginine, which is basic and polar, at codon 35930 of the TTN protein (p.Trp35930Arg). This variant is not present in population databases (gnomAD no frequency). This missense change has been observed in individual(s) with limb-girdle muscular dystrophy (PMID: 26392295). It has also been observed to segregate with disease in related individuals. ClinVar contains an entry for this variant (Variation ID: 499087). Experimental studies and prediction algorithms are not available or were not evaluated, and the functional significance of this variant is currently unknown. This variant is located in the M band of TTN (PMID: 25589632). Non-truncating variants in this region may be relevant for neuromuscular disorders, but have not been definitively shown to cause cardiomyopathy (PMID: 23975875). In summary, the available evidence is currently insufficient to determine the role of this variant in disease. Therefore, it has been classified as a Variant of Uncertain Significance.

CeGaT Center for Human Genetics Tuebingen
Classification: Uncertain significance. Last evaluated: 2024-01-01. Review status: criteria provided, single submitter. Criteria: CeGaT Center For Human Genetics Tuebingen Variant Classification Criteria Version 2. Collection method: clinical testing. Allele origin: germline. Affected: yes. Observed: 2 variant alleles.
Comment: TTN: PM2, PP1:Moderate, PM3:Supporting, BP1

Eurofins Ntd Llc (ga)
Classification: Uncertain significance. Last evaluated: 2017-01-18. Review status: criteria provided, single submitter. Criteria: EGL Classification Definitions 2015. Collection method: clinical testing. Allele origin: germline. Observed: 1 variant allele, 1 heterozygote.

OMIM
Classification: Pathogenic for MUSCULAR DYSTROPHY, LIMB-GIRDLE, AUTOSOMAL RECESSIVE 10. Last evaluated: 2019-04-17. Review status: no assertion criteria provided. Collection method: literature only. Allele origin: germline. Not counted in ClinVar's aggregate classification.

Literature cited by the submitters: PubMed 26392295 (cited by Labcorp Genetics (formerly Invitae), Labcorp and OMIM); PubMed 25589632 (cited by Labcorp Genetics (formerly Invitae), Labcorp); PubMed 23975875 (cited by Labcorp Genetics (formerly Invitae), Labcorp).

NM_001267550.2(TTN):c.107788T>C (p.Trp35930Arg)

Genes: TTN (titin; minus strand), TTN-AS1 (TTN antisense RNA 1; plus strand). Cytogenetic location: 2q31.2.
Variant type: single nucleotide variant.
Coding change: c.107788T>C on transcript NM_001267550.2 (MANE Select); coding-DNA position 107788, T replaced by C.
Protein change: p.Trp35930Arg; replaces tryptophan 35930 with arginine.
Molecular consequence: missense variant.
Genome position (GRCh38, 1-based): chr2:178,527,200, A>G on the plus strand (T>C on the coding strand, the complement: TTN is on the minus strand). VCF-style: chr2-178527200-A-G. GRCh37 (hg19) VCF-style: chr2-179391927-A-G.
Other names: c.102865T>C, p.Trp34289Arg (NM_001256850.1); c.80593T>C, p.Trp26865Arg (NM_003319.4); c.100084T>C, p.Trp33362Arg (NM_133378.4); c.80968T>C, p.Trp26990Arg (NM_133432.3); c.81169T>C, p.Trp27057Arg (NM_133437.4); short protein forms W33362R, W35930R, W26865R, W27057R, W26990R, W34289R.
Identifiers: ClinVar variation 499087 (VCV000499087.37), dbSNP rs1018591024, ClinGen allele CA60948783.